The following is an entry in ClinVar:

NM_000130.5(F5):c.4900C>T (p.Arg1634Ter)

Gene: F5 (coagulation factor V; minus strand). Cytogenetic location: 1q24.2.
Variant type: single nucleotide variant.
Coding change: c.4900C>T on transcript NM_000130.5 (MANE Select); coding-DNA position 4900, C replaced by T.
Protein change: p.Arg1634Ter; replaces arginine 1634 with a stop codon.
Molecular consequence: nonsense.
Genome position (GRCh38, 1-based): chr1:169,536,577, G>A on the plus strand (C>T on the coding strand, the complement: F5 is on the minus strand). VCF-style: chr1-169536577-G-A. GRCh37 (hg19) VCF-style: chr1-169505815-G-A.
Other names: short protein forms R1634*.
Identifiers: ClinVar variation 2712195 (VCV002712195.5), dbSNP rs760525448, ClinGen allele CA1233621.
Genomic context (GRCh38, chr1:169,536,577, plus strand): 5'-CATCCACTTCAGCTCTGATAATAGGACCAAGAATTCCGAGATGCTCTTCATACTCCCCTC[G>A]AGGATCACGTTTGGTAAAAGTGCTGTCGAGGTACTTTCGAAAAACTACTTTCTTATATGT-3'

ClinVar aggregate classification (germline): Pathogenic/Likely pathogenic. Review status: criteria provided, multiple submitters, no conflicts (2 of 4 stars). 3 submissions from 3 submitters: Pathogenic (2); Likely pathogenic (1). Last evaluated 2025-04-18.

Conditions:
Congenital factor V deficiency. Also called: Hereditary factor V deficiency disease; OWREN PARAHEMOPHILIA; PARAHEMOPHILIA; LABILE FACTOR DEFICIENCY. Identifiers: Orphanet 326, MedGen C0015499, MONDO:0009210, OMIM 227400.
F5-related disorder. Also called: F5-related condition.

Allele frequency attached by ClinVar (database versions not stated): ExAC 0.00002; gnomAD 0.00001; gnomAD exomes 0.00001; TOPMed 0.00001.
gnomAD v4.1: 10 of 1,613,414 alleles (0.00062%); highest among the groups gnomAD compares: African/African-American, 0.0013%; no homozygotes.

Submissions (3):

PreventionGenetics, part of Exact Sciences
Classification: Pathogenic for F5-related condition. Last evaluated: 2025-04-18. Review status: criteria provided, single submitter. Criteria: ACMG Guidelines, 2015. Collection method: clinical testing. Allele origin: germline.
Comment: The F5 c.4900C>T variant is predicted to result in premature protein termination (p.Arg1634*). This variant, also described as p.Arg1606* using legacy nomenclature, has been reported in the compound heterozygous state with a second F5 variant in an individual with severe factor V deficiency (Montefusco et al. 2003. PubMed ID: 12816860). This variant is reported in 0.0080% of alleles in individuals of European (Finnish) descent in gnomAD. Nonsense variants in F5 are expected to be pathogenic. This variant is interpreted as pathogenic.

GeneDx
Classification: Likely pathogenic. Last evaluated: 2024-04-19. Review status: criteria provided, single submitter. Criteria: GeneDx Variant Classification Process June 2021. Collection method: clinical testing. Allele origin: germline. Affected: yes.
Comment: Nonsense variant predicted to result in protein truncation or nonsense mediated decay in a gene for which loss of function is a known mechanism of disease; This variant is associated with the following publications: (PMID: 33477601, 12816860)

Labcorp Genetics (formerly Invitae), Labcorp
Classification: Pathogenic for Congenital factor V deficiency. Last evaluated: 2023-11-17. Review status: criteria provided, single submitter. Criteria: Invitae Variant Classification Sherloc (09022015). Collection method: clinical testing. Allele origin: germline.
Comment: This sequence change creates a premature translational stop signal (p.Arg1634*) in the F5 gene. It is expected to result in an absent or disrupted protein product. Loss-of-function variants in F5 are known to be pathogenic (PMID: 30924984). The frequency data for this variant in the population databases is considered unreliable, as metrics indicate poor data quality at this position in the gnomAD database. This premature translational stop signal has been observed in individual(s) with factor V deficiency (PMID: 12816860). This variant is also known as p.Arg1606*. For these reasons, this variant has been classified as Pathogenic.

Literature cited by the submitters: PubMed 30924984 (cited by Labcorp Genetics (formerly Invitae), Labcorp); PubMed 12816860 (cited by Labcorp Genetics (formerly Invitae), Labcorp).